The following is an entry in ClinVar:

ClinVar aggregate classification (germline): Uncertain significance. Review status: criteria provided, multiple submitters, no conflicts (2 of 4 stars). 2 submissions from 2 submitters: Uncertain significance (2). Last evaluated 2024-11-23.

Conditions:
Inborn genetic diseases. Identifiers: MedGen C0950123, MeSH D030342.
Familial cold autoinflammatory syndrome 3 (FCAS3). Also called: ANTIBODY DEFICIENCY AND IMMUNE DYSREGULATION, PLCG2-ASSOCIATED; FAMILIAL ATYPICAL COLD URTICARIA. Identifiers: Orphanet 300359, MedGen C3280914, MONDO:0013766, OMIM 614468.

Submissions (2):

Ambry Genetics
Classification: Uncertain significance for Inborn genetic diseases. Last evaluated: 2024-11-23. Review status: criteria provided, single submitter. Criteria: Ambry Variant Classification Scheme 2023. Collection method: clinical testing. Allele origin: germline.

Labcorp Genetics (formerly Invitae), Labcorp
Classification: Uncertain significance for Familial cold autoinflammatory syndrome 3. Last evaluated: 2024-10-26. Review status: criteria provided, single submitter. Criteria: Invitae Variant Classification Sherloc (09022015). Collection method: clinical testing. Allele origin: germline.
Comment: This sequence change replaces arginine, which is basic and polar, with leucine, which is neutral and non-polar, at codon 956 of the PLCG2 protein (p.Arg956Leu). This variant is not present in population databases (gnomAD no frequency). This variant has not been reported in the literature in individuals affected with PLCG2-related conditions. ClinVar contains an entry for this variant (Variation ID: 1969088). An algorithm developed to predict the effect of missense changes on protein structure and function (PolyPhen-2) suggests that this variant is likely to be disruptive. In summary, the available evidence is currently insufficient to determine the role of this variant in disease. Therefore, it has been classified as a Variant of Uncertain Significance.

NM_002661.5(PLCG2):c.2867G>T (p.Arg956Leu)

Gene: PLCG2 (phospholipase C gamma 2; plus strand). Cytogenetic location: 16q23.3.
Variant type: single nucleotide variant.
Coding change: c.2867G>T on transcript NM_002661.5 (MANE Select); coding-DNA position 2867, G replaced by T.
Protein change: p.Arg956Leu; replaces arginine 956 with leucine.
Molecular consequence: missense variant.
Genome position (GRCh38, 1-based): chr16:81,936,193, G>T. VCF-style: chr16-81936193-G-T. GRCh37 (hg19) VCF-style: chr16-81969798-G-T.
Other names: short protein forms R956L.
Identifiers: ClinVar variation 1969088 (VCV001969088.6), dbSNP rs376030995, ClinGen allele CA396905611.